The following is an entry in ClinVar:

ClinVar aggregate classification (germline): Uncertain significance (1 of 4 stars; one submission).

Submission:

Labcorp Genetics (formerly Invitae), Labcorp
Classification: Uncertain significance. Last evaluated: 2022-06-13. Review status: criteria provided, single submitter. Criteria: Invitae Variant Classification Sherloc (09022015). Collection method: clinical testing. Allele origin: germline.
Comment: In summary, the available evidence is currently insufficient to determine the role of this variant in disease. Therefore, it has been classified as a Variant of Uncertain Significance. Algorithms developed to predict the effect of sequence changes on RNA splicing suggest that this variant may create or strengthen a splice site. This variant has not been reported in the literature in individuals affected with GNAT2-related conditions. This variant is not present in population databases (gnomAD no frequency). This sequence change affects codon 254 of the GNAT2 mRNA. It is a 'silent' change, meaning that it does not change the encoded amino acid sequence of the GNAT2 protein.

NM_001377295.2(GNAT2):c.762T>C (p.Cys254=)

Gene: GNAT2 (G protein subunit alpha transducin 2; minus strand). Cytogenetic location: 1p13.3.
Variant type: single nucleotide variant.
Coding change: c.762T>C on transcript NM_001377295.2 (MANE Select); coding-DNA position 762, T replaced by C.
Protein change: p.Cys254=; no amino-acid change (cysteine 254 retained).
Molecular consequence: synonymous variant.
Genome position (GRCh38, 1-based): chr1:109,604,063, A>G on the plus strand (T>C on the coding strand, the complement: GNAT2 is on the minus strand). VCF-style: chr1-109604063-A-G. GRCh37 (hg19) VCF-style: chr1-110146685-A-G.
Other names: c.762T>C, p.Cys254= (NM_001379232.1, NM_005272.5).
Identifiers: ClinVar variation 2005350 (VCV002005350.4), dbSNP rs2524332079, ClinGen allele CA419367536.